The following is an entry in ClinVar:

NM_006269.2(RP1):c.4397A>T (p.Glu1466Val)

Gene: RP1 (RP1 axonemal microtubule associated; plus strand). Cytogenetic location: 8q12.1.
Variant type: single nucleotide variant.
Coding change: c.4397A>T on transcript NM_006269.2 (MANE Select); coding-DNA position 4397, A replaced by T.
Protein change: p.Glu1466Val; replaces glutamic acid 1466 with valine.
Molecular consequence: missense variant. On other transcripts: intron variant (1).
Genome position (GRCh38, 1-based): chr8:54,628,279, A>T. VCF-style: chr8-54628279-A-T. GRCh37 (hg19) VCF-style: chr8-55540839-A-T.
Other names: c.787+5991A>T (NM_001375654.1); c.4397A>T (NM_006269.1); short protein forms E1466V.
Identifiers: ClinVar variation 1356833 (VCV001356833.8), dbSNP rs373083553, ClinGen allele CA4751861.

ClinVar aggregate classification (germline): Uncertain significance. Review status: criteria provided, multiple submitters, no conflicts (2 of 4 stars). 3 submissions from 3 submitters: Uncertain significance (3). Last evaluated 2025-12-22.

Conditions:
Inborn genetic diseases. Identifiers: MedGen C0950123, MeSH D030342.

Allele frequency attached by ClinVar (database versions not stated): ExAC 0.00001; gnomAD exomes 0.00002 and 0.00003; ESP Exome Variant Server 0.00008; TOPMed 0.00013; gnomAD 0.00014 and 0.00017.
gnomAD v4.1: 48 of 1,613,854 alleles (0.003%); highest among the groups gnomAD compares: African/African-American, 0.063%; no homozygotes.

Submissions (3):

Labcorp Genetics (formerly Invitae), Labcorp
Classification: Uncertain significance. Last evaluated: 2025-12-22. Review status: criteria provided, single submitter. Criteria: Invitae Variant Classification Sherloc (09022015). Collection method: clinical testing. Allele origin: germline.
Comment: This sequence change replaces glutamic acid, which is acidic and polar, with valine, which is neutral and non-polar, at codon 1466 of the RP1 protein (p.Glu1466Val). This variant is present in population databases (rs373083553, gnomAD 0.05%). This variant has not been reported in the literature in individuals affected with RP1-related conditions. ClinVar contains an entry for this variant (Variation ID: 1356833). An algorithm developed to predict the effect of missense changes on protein structure and function (PolyPhen-2) suggests that this variant is likely to be disruptive. In summary, the available evidence is currently insufficient to determine the role of this variant in disease. Therefore, it has been classified as a Variant of Uncertain Significance.

Ambry Genetics
Classification: Uncertain significance for Inborn genetic diseases. Last evaluated: 2025-03-04. Review status: criteria provided, single submitter. Criteria: Ambry Variant Classification Scheme 2023. Collection method: clinical testing. Allele origin: germline.

Blueprint Genetics
Classification: Uncertain significance. Last evaluated: 2024-02-19. Review status: criteria provided, single submitter. Criteria: ACMG Guidelines, 2015. Collection method: clinical testing. Allele origin: germline.